The following is an entry in ClinVar:

ClinVar aggregate classification (germline): Pathogenic (1 of 4 stars; one submission).

Conditions:
Primary pulmonary hypertension. Also called: Idiopathic pulmonary hypertension. Identifiers: MedGen C0152171.

Submission:

Labcorp Genetics (formerly Invitae), Labcorp
Classification: Pathogenic for Primary pulmonary hypertension. Last evaluated: 2021-04-28. Review status: criteria provided, single submitter. Criteria: Invitae Variant Classification Sherloc (09022015). Collection method: clinical testing. Allele origin: germline.
Comment: For these reasons, this variant has been classified as Pathogenic. This variant has not been reported in the literature in individuals with BMPR2-related conditions. This variant is not present in population databases (ExAC no frequency). This sequence change creates a premature translational stop signal (p.Ile46*) in the BMPR2 gene. It is expected to result in an absent or disrupted protein product. Loss-of-function variants in BMPR2 are known to be pathogenic (PMID: 16429395).

Literature cited by the submitters: PubMed 16429395.

NM_001204.7(BMPR2):c.135del (p.Gly45_Ile46insTer)

Gene: BMPR2 (bone morphogenetic protein receptor type 2; plus strand). Cytogenetic location: 2q33.1.
Variant type: Deletion.
Coding change: c.135del on transcript NM_001204.7 (MANE Select); coding-DNA position 135, one base deleted (G; older notation c.135delG).
Protein change: p.Gly45_Ile46insTer.
Molecular consequence: frameshift variant.
Genome position (GRCh38, 1-based): chr2:202,464,867, G deleted; the last of 3 consecutive G bases (chr2:202,464,865-202,464,867); deleting any one gives the same sequence. VCF-style (leftmost placement, unchanged base first): chr2-202464864-TG-T. GRCh37 (hg19) VCF-style: chr2-203329587-TG-T.
Identifiers: ClinVar variation 1452839 (VCV001452839.6), dbSNP rs2105959685, ClinGen allele CA2573134350.